The following is an entry in ClinVar:

NM_004655.4(AXIN2):c.1083G>A (p.Glu361=)

Gene: AXIN2 (axin 2; minus strand). Cytogenetic location: 17q24.1.
Variant type: single nucleotide variant.
Coding change: c.1083G>A on transcript NM_004655.4 (MANE Select); coding-DNA position 1083, G replaced by A.
Protein change: p.Glu361=; no amino-acid change (glutamic acid 361 retained).
Molecular consequence: synonymous variant.
Genome position (GRCh38, 1-based): chr17:65,538,320, C>T on the plus strand (G>A on the coding strand, the complement: AXIN2 is on the minus strand). VCF-style: chr17-65538320-C-T. GRCh37 (hg19) VCF-style: chr17-63534438-C-T.
Other names: c.1083G>A (LRG_296t1); c.1083G>A, p.Glu361= (NM_001363813.1).
Identifiers: ClinVar variation 415246 (VCV000415246.17), dbSNP rs1060504494, ClinGen allele CA16615604.

ClinVar aggregate classification (germline): Conflicting classifications of pathogenicity. Review status: criteria provided, conflicting classifications (1 of 4 stars). 5 submissions from 5 submitters: Uncertain significance (1); Benign (1); Likely benign (3). Last evaluated 2025-11-13.

Conditions:
AXIN2-related disorder.
Hereditary cancer-predisposing syndrome. Also called: Hereditary Cancer Syndrome; Tumor predisposition; Hereditary neoplastic syndrome; Neoplastic Syndromes, Hereditary. Identifiers: Orphanet 140162, MedGen C0027672, MeSH D009386, MONDO:0015356.
Oligodontia-cancer predisposition syndrome. Also called: TOOTH AGENESIS-COLORECTAL CANCER SYNDROME. Identifiers: Orphanet 300576, MedGen C1837750, MONDO:0012075, OMIM 608615. Disease mechanism: loss of function.

Allele frequency attached by ClinVar (database versions not stated): gnomAD exomes below 0.00001; gnomAD 0.00001; TOPMed 0.00004.
gnomAD v4.1: 8 of 1,614,056 alleles (0.0005%); highest among the groups gnomAD compares: Admixed American, 0.0033%; no homozygotes.

Submissions (5):

Labcorp Genetics (formerly Invitae), Labcorp
Classification: Likely benign for Oligodontia-cancer predisposition syndrome. Last evaluated: 2025-11-13. Review status: criteria provided, single submitter. Criteria: Invitae Variant Classification Sherloc (09022015). Collection method: clinical testing. Allele origin: germline.

PreventionGenetics, part of Exact Sciences
Classification: Likely benign for AXIN2-related condition. Last evaluated: 2025-06-29. Review status: criteria provided, single submitter. Criteria: ACMG Guidelines, 2015. Collection method: clinical testing. Allele origin: germline.
Comment: This variant is classified as likely benign based on ACMG/AMP sequence variant interpretation guidelines (Richards et al. 2015 PMID: 25741868, with internal and published modifications).

Myriad Genetics, Inc.
Classification: Benign for Oligodontia-cancer predisposition syndrome. Last evaluated: 2024-07-01. Review status: criteria provided, single submitter. Criteria: Myriad Autosomal Dominant, Autosomal Recessive and X-Linked Classification Criteria (2023). Collection method: clinical testing. Allele origin: unknown.
Comment: This variant is considered benign. This variant is a silent/synonymous amino acid change and it is not expected to impact splicing.

Quest Diagnostics Nichols Institute San Juan Capistrano
Classification: Uncertain significance. Last evaluated: 2021-06-04. Review status: criteria provided, single submitter. Criteria: Quest Diagnostics criteria. Collection method: clinical testing. Allele origin: unknown.

Ambry Genetics
Classification: Likely benign for Hereditary cancer-predisposing syndrome. Last evaluated: 2020-10-25. Review status: criteria provided, single submitter. Criteria: Ambry Variant Classification Scheme 2023. Collection method: clinical testing. Allele origin: germline.